The following is an entry in ClinVar:

ClinVar aggregate classification (germline): Uncertain significance (1 of 4 stars; one submission).

Conditions:
Cardiovascular phenotype. Identifiers: MedGen CN230736.

Allele frequency attached by ClinVar (database versions not stated): TOPMed below 0.00001.

Submission:

Ambry Genetics
Classification: Uncertain significance for Cardiovascular phenotype. Last evaluated: 2019-11-25. Review status: criteria provided, single submitter. Criteria: Ambry Variant Classification Scheme 2023. Collection method: clinical testing. Allele origin: germline.
Comment: The p.A241T variant (also known as c.721G>A), located in coding exon 1 of the FKRP gene, results from a G to A substitution at nucleotide position 721. The alanine at codon 241 is replaced by threonine, an amino acid with similar properties. This amino acid position is not well conserved in available vertebrate species. In addition, the in silico prediction for this alteration is inconclusive. Since supporting evidence is limited at this time, the clinical significance of this alteration remains unclear.

NM_024301.5(FKRP):c.721G>A (p.Ala241Thr)

Gene: FKRP (fukutin related protein; plus strand). Cytogenetic location: 19q13.32.
Variant type: single nucleotide variant.
Coding change: c.721G>A on transcript NM_024301.5 (MANE Select); coding-DNA position 721, G replaced by A.
Protein change: p.Ala241Thr; replaces alanine 241 with threonine.
Molecular consequence: missense variant.
Genome position (GRCh38, 1-based): chr19:46,756,171, G>A. VCF-style: chr19-46756171-G-A. GRCh37 (hg19) VCF-style: chr19-47259428-G-A.
Other names: c.721G>A, p.Ala241Thr (NM_001039885.3); short protein forms A241T.
Identifiers: ClinVar variation 1757765 (VCV001757765.2), dbSNP rs1042464853, ClinGen allele CA309099443.